The following is an entry in ClinVar:

NM_033337.3(CAV3):c.188C>T (p.Thr63Ile)

Genes: CAV3 (caveolin 3; plus strand), OXTR (oxytocin receptor; minus strand). Cytogenetic location: 3p25.3.
Variant type: single nucleotide variant.
Coding change: c.188C>T on transcript NM_033337.3 (MANE Select); coding-DNA position 188, C replaced by T.
Protein change: p.Thr63Ile; replaces threonine 63 with isoleucine.
Molecular consequence: missense variant.
Genome position (GRCh38, 1-based): chr3:8,745,599, C>T. VCF-style: chr3-8745599-C-T. GRCh37 (hg19) VCF-style: chr3-8787285-C-T.
Other names: c.188C>T, p.Thr63Ile (NM_001234.5); short protein forms T63I.
Identifiers: ClinVar variation 963230 (VCV000963230.7), dbSNP rs116840799, ClinGen allele CA351663258.
Genomic context (GRCh38, chr3:8,745,599, plus strand): 5'-ACGTGATCGCAGAGCCTGTGGGCACCTACAGCTTTGACGGCGTGTGGAAGGTGAGCTACA[C>T]CACCTTCACTGTCTCCAAGTACTGGTGCTACCGTCTGTTGTCCACGCTGCTGGGCGTCCC-3'
Protein context (NP_203123.1, residues 53-73): SFDGVWKVSY[Thr63Ile]TFTVSKYWCY

ClinVar aggregate classification (germline): Uncertain significance. Review status: criteria provided, multiple submitters, no conflicts (2 of 4 stars). 2 submissions from 2 submitters: Uncertain significance (2). Last evaluated 2024-07-05.

Conditions:
Long QT syndrome (LQTS). Identifiers: MedGen C0023976, MeSH D008133, MONDO:0002442. Disease mechanism: loss of function. Inheritance: Various modes of inheritance.

Submissions (2):

GeneDx
Classification: Uncertain significance. Last evaluated: 2024-07-05. Review status: criteria provided, single submitter. Criteria: GeneDx Variant Classification Process June 2021. Collection method: clinical testing. Allele origin: germline. Affected: yes.
Comment: Not observed at significant frequency in large population cohorts (gnomAD); In silico analysis supports that this missense variant has a deleterious effect on protein structure/function; Has not been previously published as pathogenic or benign to our knowledge; This variant is associated with the following publications: (PMID: 25630502)

Labcorp Genetics (formerly Invitae), Labcorp
Classification: Uncertain significance for Long QT syndrome. Last evaluated: 2019-10-19. Review status: criteria provided, single submitter. Criteria: Invitae Variant Classification Sherloc (09022015). Collection method: clinical testing. Allele origin: germline.
Comment: In summary, the available evidence is currently insufficient to determine the role of this variant in disease. Therefore, it has been classified as a Variant of Uncertain Significance. Algorithms developed to predict the effect of missense changes on protein structure and function (SIFT, PolyPhen-2, Align-GVGD) all suggest that this variant is likely to be disruptive, but these predictions have not been confirmed by published functional studies and their clinical significance is uncertain. This variant has not been reported in the literature in individuals with CAV3-related conditions. This variant is not present in population databases (ExAC no frequency). This sequence change replaces threonine with isoleucine at codon 63 of the CAV3 protein (p.Thr63Ile). The threonine residue is highly conserved and there is a moderate physicochemical difference between threonine and isoleucine.